The following is an entry in ClinVar:

ClinVar aggregate classification (germline): Uncertain significance. Review status: criteria provided, multiple submitters, no conflicts (2 of 4 stars). 2 submissions from 2 submitters: Uncertain significance (2). Last evaluated 2024-06-04.

Conditions:
Developmental and epileptic encephalopathy, 30 (DEE30). Also called: Epileptic encephalopathy, early infantile, 30. Identifiers: MedGen C4225360, MONDO:0014595, OMIM 616341.

Submissions (2):

Labcorp Genetics (formerly Invitae), Labcorp
Classification: Uncertain significance for Developmental and epileptic encephalopathy, 30. Last evaluated: 2024-06-04. Review status: criteria provided, single submitter. Criteria: Invitae Variant Classification Sherloc (09022015). Collection method: clinical testing. Allele origin: germline.
Comment: This sequence change replaces arginine, which is basic and polar, with leucine, which is neutral and non-polar, at codon 748 of the SIK1 protein (p.Arg748Leu). This variant is not present in population databases (gnomAD no frequency). This variant has not been reported in the literature in individuals affected with SIK1-related conditions. ClinVar contains an entry for this variant (Variation ID: 1353547). Advanced modeling of protein sequence and biophysical properties (such as structural, functional, and spatial information, amino acid conservation, physicochemical variation, residue mobility, and thermodynamic stability) performed at Invitae indicates that this missense variant is not expected to disrupt SIK1 protein function with a negative predictive value of 95%. In summary, the available evidence is currently insufficient to determine the role of this variant in disease. Therefore, it has been classified as a Variant of Uncertain Significance.

GeneDx
Classification: Uncertain significance. Last evaluated: 2022-11-30. Review status: criteria provided, single submitter. Criteria: GeneDx Variant Classification Process June 2021. Collection method: clinical testing. Allele origin: germline. Affected: yes.
Comment: Not observed at significant frequency in large population cohorts (gnomAD); In silico analysis supports that this missense variant does not alter protein structure/function; Has not been previously published as pathogenic or benign to our knowledge

NM_173354.5(SIK1):c.2243G>T (p.Arg748Leu)

Gene: SIK1 (salt inducible kinase 1; minus strand). Cytogenetic location: 21q22.3.
Variant type: single nucleotide variant.
Coding change: c.2243G>T on transcript NM_173354.5 (MANE Select); coding-DNA position 2243, G replaced by T.
Protein change: p.Arg748Leu; replaces arginine 748 with leucine.
Molecular consequence: missense variant.
Genome position (GRCh38, 1-based): chr21:43,416,851, C>A on the plus strand (G>T on the coding strand, the complement: SIK1 is on the minus strand). VCF-style: chr21-43416851-C-A. GRCh37 (hg19) VCF-style: chr21-44836731-C-A.
Other names: c.2243G>T (NM_173354.3); short protein forms R748L.
Identifiers: ClinVar variation 1353547 (VCV001353547.7), dbSNP rs375516507, ClinGen allele CA321324284.